The following is an entry in ClinVar:

ClinVar aggregate classification (germline): Conflicting classifications of pathogenicity. Review status: criteria provided, conflicting classifications (1 of 4 stars). 21 submissions from 20 submitters: Uncertain significance (1); Benign (6); Likely benign (9). 5 of the submissions do not count toward it. Last evaluated 2026-07-01.

Conditions:
BRIP1-related disorder. Also called: BRIP1-related condition; BRIP1-related disorders. Identifiers: MedGen CN239206.
Breast and/or ovarian cancer. Identifiers: MedGen CN221562.
Hereditary cancer-predisposing syndrome. Also called: Neoplastic Syndromes, Hereditary; Tumor predisposition; Hereditary neoplastic syndrome; Hereditary Cancer Syndrome. Identifiers: Orphanet 140162, MedGen C0027672, MeSH D009386, MONDO:0015356.
Fanconi anemia complementation group J. Also called: BRIP1-Related Fanconi Anemia. Identifiers: Orphanet 84, MedGen C1836860, MONDO:0012187, OMIM 609054.
Familial cancer of breast. Also called: Hereditary breast cancer; hereditary breast carcinoma; BREAST CANCER, FAMILIAL. Identifiers: Orphanet 227535, MedGen C0346153, MONDO:0016419, OMIM 114480. Disease mechanism: loss of function.
Ovarian cancer. Also called: OVARIAN CANCER, SOMATIC. Identifiers: Orphanet 213500, MedGen C1140680, MONDO:0008170, OMIM 167000.

Allele frequency attached by ClinVar (database versions not stated): 1000 Genomes Project 0.00020; 1000 Genomes Project 30x 0.00031; ESP Exome Variant Server 0.00054; TOPMed 0.00067; gnomAD 0.00068 and 0.00069; ExAC 0.00079.
gnomAD v4.1: 1,086 of 1,612,548 alleles (0.067%); highest among the groups gnomAD compares: Middle Eastern, 1.6%; 1 homozygote.

Submissions (21):

CeGaT Center for Human Genetics Tuebingen
Classification: Likely benign. Last evaluated: 2026-07-01. Review status: criteria provided, single submitter. Criteria: CeGaT Center For Human Genetics Tuebingen Variant Classification Criteria Version 2. Collection method: clinical testing. Allele origin: germline. Affected: yes. Observed: 13 variant alleles.
Comment: BRIP1: BP4, BP7

Labcorp Genetics (formerly Invitae), Labcorp
Classification: Benign for Familial cancer of breast; Fanconi anemia complementation group J. Last evaluated: 2026-02-03. Review status: criteria provided, single submitter. Criteria: Invitae Variant Classification Sherloc (09022015). Collection method: clinical testing. Allele origin: germline.

Mayo Clinic Laboratories, Mayo Clinic
Classification: Likely benign. Last evaluated: 2025-09-04. Review status: criteria provided, single submitter. Criteria: ACMG Guidelines, 2015. Collection method: clinical testing. Allele origin: germline. Observed: 4 variant alleles.
Comment: BS1, BP4, BP7

Center for Genomic Medicine, Rigshospitalet, Copenhagen University Hospital
Classification: Likely benign. Last evaluated: 2025-03-04. Review status: criteria provided, single submitter. Criteria: ACMG Guidelines, 2015. Collection method: clinical testing. Allele origin: germline.

Blueprint Genetics
Classification: Likely benign. Last evaluated: 2024-11-05. Review status: criteria provided, single submitter. Criteria: ACMG Guidelines, 2015. Collection method: clinical testing. Allele origin: germline.

ARUP Laboratories, Molecular Genetics and Genomics, ARUP Laboratories
Classification: Benign. Last evaluated: 2024-10-08. Review status: criteria provided, single submitter. Criteria: ARUP Molecular Germline Variant Investigation Process 2024. Collection method: clinical testing. Allele origin: germline.

CHEO Genetics Diagnostic Laboratory, Children's Hospital of Eastern Ontario
Classification: Likely benign for Breast and/or ovarian cancer. Last evaluated: 2023-04-13. Review status: criteria provided, single submitter. Criteria: ACMG Guidelines, 2015. Collection method: clinical testing. Allele origin: germline.

Myriad Genetics, Inc.
Classification: Benign for Familial cancer of breast. Last evaluated: 2023-03-01. Review status: criteria provided, single submitter. Criteria: Myriad Autosomal Dominant, Autosomal Recessive and X-Linked Classification Criteria (2023). Collection method: clinical testing. Allele origin: unknown.
Comment: This variant is considered benign. This variant is a silent/synonymous amino acid change and it is not expected to impact splicing.

Quest Diagnostics Nichols Institute San Juan Capistrano
Classification: Benign. Last evaluated: 2022-10-22. Review status: criteria provided, single submitter. Criteria: Quest Diagnostics criteria. Collection method: clinical testing. Allele origin: unknown.

Genetic Services Laboratory, University of Chicago
Classification: Benign. Last evaluated: 2021-02-16. Review status: criteria provided, single submitter. Criteria: ACMG Guidelines, 2015. Collection method: clinical testing. Allele origin: germline. Affected: no.

Sema4
Classification: Likely benign for Hereditary cancer-predisposing syndrome. Last evaluated: 2021-02-05. Review status: criteria provided, single submitter. Criteria: Sema4 Curation Guidelines. Collection method: curation. Allele origin: germline.

Mendelics
Classification: Likely benign for Familial cancer of breast. Last evaluated: 2019-05-28. Review status: criteria provided, single submitter. Criteria: Mendelics Assertion Criteria 2017. Collection method: clinical testing. Allele origin: unknown.

Illumina Laboratory Services, Illumina
Classification: Uncertain significance for Fanconi anemia complementation group J. Last evaluated: 2018-01-12. Review status: criteria provided, single submitter. Criteria: ICSL Variant Classification Criteria 13 December 2019. Collection method: clinical testing. Allele origin: germline.

Color Diagnostics, LLC DBA Color Health
Classification: Likely benign for Hereditary cancer-predisposing syndrome. Last evaluated: 2015-04-10. Review status: criteria provided, single submitter. Criteria: ACMG Guidelines, 2015. Collection method: clinical testing. Allele origin: germline.

Ambry Genetics
Classification: Likely benign for Hereditary cancer-predisposing syndrome. Last evaluated: 2014-07-22. Review status: criteria provided, single submitter. Criteria: Ambry Variant Classification Scheme 2023. Collection method: clinical testing. Allele origin: germline.

GeneDx
Classification: Benign. Last evaluated: 2013-11-06. Review status: criteria provided, single submitter. Criteria: GeneDx Variant Classification (06012015). Collection method: clinical testing. Allele origin: germline. Affected: yes.
Comment: This variant is considered likely benign or benign based on one or more of the following criteria: it is a conservative change, it occurs at a poorly conserved position in the protein, it is predicted to be benign by multiple in silico algorithms, and/or has population frequency not consistent with disease.

PreventionGenetics, part of Exact Sciences
Classification: Likely benign for BRIP1-related condition. Last evaluated: 2024-05-31. Review status: no assertion criteria provided. Collection method: clinical testing. Allele origin: germline. Not counted in ClinVar's aggregate classification.
Comment: This variant is classified as likely benign based on ACMG/AMP sequence variant interpretation guidelines (Richards et al. 2015 PMID: 25741868, with internal and published modifications).

True Health Diagnostics
Classification: Likely benign for Hereditary cancer-predisposing syndrome. Last evaluated: 2017-11-02. Review status: no assertion criteria provided. Collection method: clinical testing. Allele origin: germline. Not counted in ClinVar's aggregate classification.

Counsyl
Classification: Likely benign for Fanconi anemia complementation group J. Last evaluated: 2016-08-12. Review status: no assertion criteria provided. Collection method: clinical testing. Allele origin: unknown. Not counted in ClinVar's aggregate classification.

Counsyl
Classification: Likely benign for Ovarian cancer. Last evaluated: 2016-08-12. Review status: no assertion criteria provided. Collection method: clinical testing. Allele origin: unknown. Not counted in ClinVar's aggregate classification.

Department of Pathology and Laboratory Medicine, Sinai Health System
Classification: Likely benign. Review status: no assertion criteria provided. Collection method: clinical testing. Allele origin: unknown. Affected: yes. Observed: 1 variant allele. Study: The Canadian Open Genetics Repository (COGR). Not counted in ClinVar's aggregate classification.
Comment: The BRIP1 p.Asp1153= variant was not identified in the literature nor was it identified in the Cosmic, MutDB, and Zhejiang University databases. The variant was identified in dbSNP (ID: rs4987050) as with uncertain significance allele, in the ClinVar database as benign by GeneDx, Invitae; as likely benign by Ambry Genetics, Counsyl, Color Genomics, Quest Diagnostics, Nichols Institute San Juan Capistrano and ARUP Laboratories; and with uncertain significance by Illumina Clinical Services. The variant was identified in control databases in 201 of 275956 chromosomes at a frequency of 0.0007 increasing the likelihood this could be a low frequency benign variant (Genome Aggregation Database Feb 27, 2017). In addition, the variant was identified in the1000 Genomes Project in 1 of 5000 chromosomes (frequency: 0.0002) and in the NHLBI GO Exome Sequencing Project in 6 of 8598 European American and in 1 of 4406 African American alleles. The variant was observed in the following populations: African in 3 of 24010 chromosomes (freq: 0.0001), Other in 18 of 6450 chromosomes (freq: 0.003), Latino in 36 of 34368 chromosomes (freq: 0.001), European Non-Finnish in 116 of 126504 chromosomes (freq: 0.001), Ashkenazi Jewish in 14 of 10146 chromosomes (freq: 0.001), and South Asian in 14 of 30730 chromosomes (freq: 0.0005), while the variant was not observed in the East Asian, European Finnish populations. The p.Asp1153= variant is not expected to have clinical significance because it does not result in a change of amino acid and is not located in a known consensus splice site. In addition, in silico or computational prediction software programs (SpliceSiteFinder, MaxEntScan, NNSPLICE, GeneSplicer, HumanSpliceFinder) do not predict a difference in splicing. In summary, based on the above information the clinical significance of this variant cannot be determined with certainty at this time although we would lean towards a more benign role for this variant. This variant is classified as likely benign.

NM_032043.3(BRIP1):c.3459T>C (p.Asp1153=)

Gene: BRIP1 (BRCA1 interacting DNA helicase 1; minus strand). Cytogenetic location: 17q23.2.
Variant type: single nucleotide variant.
Coding change: c.3459T>C on transcript NM_032043.3 (MANE Select); coding-DNA position 3459, T replaced by C.
Protein change: p.Asp1153=; no amino-acid change (aspartic acid 1153 retained).
Molecular consequence: synonymous variant.
Genome position (GRCh38, 1-based): chr17:61,683,587, A>G on the plus strand (T>C on the coding strand, the complement: BRIP1 is on the minus strand). VCF-style: chr17-61683587-A-G. GRCh37 (hg19) VCF-style: chr17-59760948-A-G.
Other names: p.D1153D:GAT>GAC; p.Asp1153=.
Identifiers: ClinVar variation 136580 (VCV000136580.74), dbSNP rs4987050, ClinGen allele CA289745.